The following is an entry in ClinVar:

ClinVar aggregate classification (germline): Uncertain significance. Review status: criteria provided, multiple submitters, no conflicts (2 of 4 stars). 2 submissions from 2 submitters: Uncertain significance (2). Last evaluated 2022-12-19.

Conditions:
Inborn genetic diseases. Identifiers: MedGen C0950123, MeSH D030342.

Allele frequency attached by ClinVar (database versions not stated): TOPMed 0.00003; gnomAD exomes 0.00001; gnomAD 0.00003.
gnomAD v4.1: 23 of 1,612,936 alleles (0.0014%); highest among the groups gnomAD compares: Non-Finnish European, 0.0019%; no homozygotes.

Submissions (2):

Ambry Genetics
Classification: Uncertain significance for Inborn genetic diseases. Last evaluated: 2022-12-19. Review status: criteria provided, single submitter. Criteria: Ambry Variant Classification Scheme 2023. Collection method: clinical testing. Allele origin: germline.

Labcorp Genetics (formerly Invitae), Labcorp
Classification: Uncertain significance. Last evaluated: 2022-08-09. Review status: criteria provided, single submitter. Criteria: Invitae Variant Classification Sherloc (09022015). Collection method: clinical testing. Allele origin: germline.
Comment: This variant has not been reported in the literature in individuals affected with CACNA1G-related conditions. Algorithms developed to predict the effect of missense changes on protein structure and function are either unavailable or do not agree on the potential impact of this missense change (SIFT: "Deleterious"; PolyPhen-2: "Benign"; Align-GVGD: "Class C0"). In summary, the available evidence is currently insufficient to determine the role of this variant in disease. Therefore, it has been classified as a Variant of Uncertain Significance. This variant is present in population databases (no rsID available, gnomAD 0.002%). This sequence change replaces lysine, which is basic and polar, with glutamic acid, which is acidic and polar, at codon 2359 of the CACNA1G protein (p.Lys2359Glu).

NM_018896.5(CACNA1G):c.7075A>G (p.Lys2359Glu)

Gene: CACNA1G (calcium voltage-gated channel subunit alpha1 G; plus strand). Cytogenetic location: 17q21.33.
Variant type: single nucleotide variant.
Coding change: c.7075A>G on transcript NM_018896.5 (MANE Select); coding-DNA position 7075, A replaced by G.
Protein change: p.Lys2359Glu; replaces lysine 2359 with glutamic acid.
Molecular consequence: missense variant. On other transcripts: non-coding transcript variant (5).
Genome position (GRCh38, 1-based): chr17:50,626,692, A>G. VCF-style: chr17-50626692-A-G. GRCh37 (hg19) VCF-style: chr17-48704053-A-G.
Other names: c.7075A>G (NM_018896.3); c.6886A>G, p.Lys2296Glu (NM_001256324.2); c.6817A>G, p.Lys2273Glu (NM_001256325.2); c.6805A>G, p.Lys2269Glu (NM_001256326.2); c.6775A>G, p.Lys2259Glu (NM_001256327.2); c.6721A>G, p.Lys2241Glu (NM_001256328.2); c.6694A>G, p.Lys2232Glu (NM_001256329.2, NM_198387.3); c.6661A>G, p.Lys2221Glu (NM_001256330.2); and 19 more; short protein forms K2214E, K2221E, K2225E, K2230E, K2232E, K2255E, K2280E, K2153E.
Identifiers: ClinVar variation 2201721 (VCV002201721.5), dbSNP rs1006542384, ClinGen allele CA291585621.